The following is an entry in ClinVar:

NM_152618.3(BBS12):c.694dup (p.Ile232fs)

Gene: BBS12 (Bardet-Biedl syndrome 12; plus strand). Cytogenetic location: 4q27.
Variant type: Duplication.
Coding change: c.694dup on transcript NM_152618.3 (MANE Select); coding-DNA position 694, one base duplicated (A; older notation c.694dupA).
Protein change: p.Ile232fs; shifts the reading frame from isoleucine 232.
Molecular consequence: frameshift variant.
Genome position (GRCh38, 1-based): chr4:122,742,586, A duplicated; the last of 2 consecutive A bases (chr4:122,742,585-122,742,586); duplicating either gives the same sequence. VCF-style (leftmost placement, unchanged base first): chr4-122742584-T-TA. GRCh37 (hg19) VCF-style: chr4-123663739-T-TA.
Other names: c.694dup, p.Ile232fs (NM_001178007.2); short protein forms I232fs.
Identifiers: ClinVar variation 1069739 (VCV001069739.8), dbSNP rs2150736431, ClinGen allele CA2499217069.

ClinVar aggregate classification (germline): Pathogenic/Likely pathogenic. Review status: criteria provided, multiple submitters, no conflicts (2 of 4 stars). 3 submissions from 3 submitters: Pathogenic (1); Likely pathogenic (2). Last evaluated 2024-04-08.

Conditions:
Bardet-Biedl syndrome 12 (BBS12). Identifiers: Orphanet 110, MedGen C1859570, MONDO:0014440, OMIM 615989.
Bardet-Biedl syndrome (BBS). Identifiers: Orphanet 110, MedGen C0752166, MONDO:0015229.

Submissions (3):

Fulgent Genetics
Classification: Likely pathogenic for Bardet-Biedl syndrome 12. Last evaluated: 2024-04-08. Review status: criteria provided, single submitter. Criteria: ACMG Guidelines, 2015. Collection method: clinical testing. Allele origin: germline.

Baylor Genetics
Classification: Likely pathogenic for Bardet-Biedl syndrome 12. Last evaluated: 2024-03-14. Review status: criteria provided, single submitter. Criteria: ACMG Guidelines, 2015. Collection method: clinical testing. Allele origin: unknown.

Labcorp Genetics (formerly Invitae), Labcorp
Classification: Pathogenic for Bardet-Biedl syndrome. Last evaluated: 2021-12-07. Review status: criteria provided, single submitter. Criteria: Invitae Variant Classification Sherloc (09022015). Collection method: clinical testing. Allele origin: germline.
Comment: For these reasons, this variant has been classified as Pathogenic. This variant disrupts a region of the BBS12 protein in which other variant(s) (p.Arg355*) have been determined to be pathogenic (PMID: 17160889). This suggests that this is a clinically significant region of the protein, and that variants that disrupt it are likely to be disease-causing. ClinVar contains an entry for this variant (Variation ID: 1069739). This variant has not been reported in the literature in individuals affected with BBS12-related conditions. This variant is not present in population databases (gnomAD no frequency). This sequence change creates a premature translational stop signal (p.Ile232Asnfs*4) in the BBS12 gene. While this is not anticipated to result in nonsense mediated decay, it is expected to disrupt the last 479 amino acid(s) of the BBS12 protein.

Literature cited by the submitters: PubMed 17160889 (cited by Labcorp Genetics (formerly Invitae), Labcorp).